The following is an entry in ClinVar:

ClinVar aggregate classification (germline): Uncertain significance (1 of 4 stars; one submission).

Allele frequency attached by ClinVar (database versions not stated): TOPMed 0.00002; gnomAD 0.00003; gnomAD exomes 0.00003; 1000 Genomes Project 30x 0.00016; 1000 Genomes Project 0.00020; ExAC 0.00045.
gnomAD v4.1: 54 of 1,530,494 alleles (0.0035%); highest among the groups gnomAD compares: South Asian, 0.042%; 1 homozygote.

Submission:

CeGaT Center for Human Genetics Tuebingen
Classification: Uncertain significance. Last evaluated: 2024-05-01. Review status: criteria provided, single submitter. Criteria: CeGaT Center For Human Genetics Tuebingen Variant Classification Criteria Version 2. Collection method: clinical testing. Allele origin: germline. Affected: yes. Observed: 1 variant allele.
Comment: BRSK2: PP3

NM_001256627.2(BRSK2):c.2111C>T (p.Ser704Phe)

Gene: BRSK2 (BR serine/threonine kinase 2; plus strand). Cytogenetic location: 11p15.5.
Variant type: single nucleotide variant.
Coding change: c.2111C>T on transcript NM_001256627.2 (MANE Select); coding-DNA position 2111, C replaced by T.
Protein change: p.Ser704Phe; replaces serine 704 with phenylalanine.
Molecular consequence: missense variant. On other transcripts: intron variant (3).
Genome position (GRCh38, 1-based): chr11:1,460,623, C>T. VCF-style: chr11-1460623-C-T. GRCh37 (hg19) VCF-style: chr11-1481853-C-T.
Other names: c.2201C>T, p.Ser734Phe (NM_001256630.1); c.*10-347C>T (NM_001256629.2, NM_001282218.2); c.1988-347C>T (NM_003957.4); short protein forms S704F, S734F.
Identifiers: ClinVar variation 3239110 (VCV003239110.19), dbSNP rs574284797.